The following is an entry in ClinVar:

ClinVar aggregate classification (germline): Conflicting classifications of pathogenicity. Review status: criteria provided, conflicting classifications (1 of 4 stars). 2 submissions from 2 submitters: Pathogenic (1); Uncertain significance (1). Last evaluated 2025-07-22.

Conditions:
Maturity-onset diabetes of the young type 1. Also called: MILD JUVENILE DIABETES MELLITUS; MODY type 1; Diabetes mellitus MODY type 1; MODY HNF4A related; HNF4A-Related Maturity-Onset Diabetes of the Young Type 1; MODY, type I. Identifiers: Orphanet 552, MedGen C1852093, MONDO:0007452, OMIM 125850. Disease mechanism: loss of function.

Submissions (2):

Labcorp Genetics (formerly Invitae), Labcorp
Classification: Uncertain significance. Last evaluated: 2025-07-22. Review status: criteria provided, single submitter. Criteria: Invitae Variant Classification Sherloc (09022015). Collection method: clinical testing. Allele origin: germline.
Comment: This sequence change replaces leucine, which is neutral and non-polar, with arginine, which is basic and polar, at codon 317 of the HNF4A protein (p.Leu317Arg). This variant is not present in population databases (gnomAD no frequency). This variant has not been reported in the literature in individuals affected with HNF4A-related conditions. ClinVar contains an entry for this variant (Variation ID: 1685879). Invitae Evidence Modeling of protein sequence and biophysical properties (such as structural, functional, and spatial information, amino acid conservation, physicochemical variation, residue mobility, and thermodynamic stability) has been performed for this missense variant. However, the output from this modeling did not meet the statistical confidence thresholds required to predict the impact of this variant on HNF4A protein function. In summary, the available evidence is currently insufficient to determine the role of this variant in disease. Therefore, it has been classified as a Variant of Uncertain Significance.

Mendelics
Classification: Pathogenic for Maturity-onset diabetes of the young type 1. Last evaluated: 2022-05-04. Review status: criteria provided, single submitter. Criteria: Mendelics Assertion Criteria 2019. Collection method: clinical testing. Allele origin: germline.

NM_175914.5(HNF4A):c.950T>G (p.Leu317Arg)

Gene: HNF4A (hepatocyte nuclear factor 4 alpha; plus strand). Cytogenetic location: 20q13.12.
Variant type: single nucleotide variant.
Coding change: c.950T>G on transcript NM_175914.5 (MANE Select); coding-DNA position 950, T replaced by G.
Protein change: p.Leu317Arg; replaces leucine 317 with arginine.
Molecular consequence: missense variant.
Genome position (GRCh38, 1-based): chr20:44,424,141, T>G. VCF-style: chr20-44424141-T-G. GRCh37 (hg19) VCF-style: chr20-43052781-T-G.
Other names: c.1016T>G, p.Leu339Arg (NM_000457.6, NM_178849.3, NM_178850.3); c.950T>G, p.Leu317Arg (NM_001030003.3, NM_001030004.3); c.995T>G, p.Leu332Arg (NM_001258355.2); c.941T>G, p.Leu314Arg (NM_001287182.2, NM_001287183.2, NM_001287184.2); short protein forms L314R, L317R, L332R, L339R.
Identifiers: ClinVar variation 1685879 (VCV001685879.2), dbSNP rs2146468685, ClinGen allele CA409108335.